The following is an entry in ClinVar:

ClinVar aggregate classification (germline): Conflicting classifications of pathogenicity. Review status: criteria provided, conflicting classifications (1 of 4 stars). 9 submissions from 8 submitters: Uncertain significance (2); Benign (1); Likely benign (4). 2 of the submissions do not count toward it. Last evaluated 2026-02-02.

Conditions:
CDH23-related disorder. Also called: CDH23-related disorders; CDH23-related condition.
Usher syndrome type 1 (USH1). Also called: RETINITIS PIGMENTOSA AND CONGENITAL DEAFNESS. Identifiers: Orphanet 231169, Orphanet 886, MedGen C1568247, MONDO:0010168, OMIM 276900.
Usher syndrome type 1D (USH1D). Also called: USHER SYNDROME, TYPE ID. Identifiers: Orphanet 231169, Orphanet 886, MedGen C1832845, MONDO:0010984, OMIM 601067.
Autosomal recessive nonsyndromic hearing loss 12. Also called: DEAFNESS, AUTOSOMAL RECESSIVE 12. Identifiers: Orphanet 90636, MedGen C1832394, MONDO:0011067, OMIM 601386.

Allele frequency attached by ClinVar (database versions not stated): 1000 Genomes Project 0.00040; ExAC 0.00061; 1000 Genomes Project 30x 0.00062; gnomAD 0.00157 and 0.00176; ESP Exome Variant Server 0.00181; TOPMed 0.00185.
gnomAD v4.1: 473 of 1,598,574 alleles (0.03%); highest among the groups gnomAD compares: African/African-American, 0.48%; 1 homozygote.

Submissions (9):

Labcorp Genetics (formerly Invitae), Labcorp
Classification: Likely benign. Last evaluated: 2026-02-02. Review status: criteria provided, single submitter. Criteria: Invitae Variant Classification Sherloc (09022015). Collection method: clinical testing. Allele origin: germline.

Blueprint Genetics
Classification: Likely benign. Last evaluated: 2024-10-15. Review status: criteria provided, single submitter. Criteria: ACMG Guidelines, 2015. Collection method: clinical testing. Allele origin: germline.

GeneDx
Classification: Likely benign. Last evaluated: 2020-03-24. Review status: criteria provided, single submitter. Criteria: GeneDx Variant Classification Process June 2021. Collection method: clinical testing. Allele origin: germline. Affected: yes.
Comment: This variant is associated with the following publications: (PMID: 28912962)

Illumina Laboratory Services, Illumina
Classification: Uncertain significance for Usher syndrome type 1D. Last evaluated: 2018-01-12. Review status: criteria provided, single submitter. Criteria: ICSL Variant Classification Criteria 13 December 2019. Collection method: clinical testing. Allele origin: germline.

Illumina Laboratory Services, Illumina
Classification: Uncertain significance for Autosomal recessive nonsyndromic hearing loss 12. Last evaluated: 2018-01-12. Review status: criteria provided, single submitter. Criteria: ICSL Variant Classification Criteria 13 December 2019. Collection method: clinical testing. Allele origin: germline.

Eurofins Ntd Llc (ga)
Classification: Benign. Last evaluated: 2016-04-07. Review status: criteria provided, single submitter. Criteria: EGL Classification Definitions 2015. Collection method: clinical testing. Allele origin: germline. Observed: 1 variant allele, 1 heterozygote.

Laboratory for Molecular Medicine, Mass General Brigham Personalized Medicine
Classification: Likely benign. Last evaluated: 2013-06-25. Review status: criteria provided, single submitter. Criteria: LMM Criteria. Collection method: clinical testing. Allele origin: germline. Observed: 1 variant allele.
Comment: 6713-8G>A in Intron 48 of CDH23: This variant is not expected to have clinical s ignificance because it has been identified in 0.5% (20/3862) of African American chromosomes from a broad population by the NHLBI Exome Sequencing Project.

Natera, Inc.
Classification: Likely benign for Usher syndrome type 1. Last evaluated: 2020-09-16. Review status: no assertion criteria provided. Collection method: clinical testing. Allele origin: germline. Not counted in ClinVar's aggregate classification.

PreventionGenetics, part of Exact Sciences
Classification: Benign for CDH23-related condition. Last evaluated: 2020-03-16. Review status: no assertion criteria provided. Collection method: clinical testing. Allele origin: germline. Not counted in ClinVar's aggregate classification.
Comment: This variant is classified as benign based on ACMG/AMP sequence variant interpretation guidelines (Richards et al. 2015 PMID: 25741868, with internal and published modifications).

NM_022124.6(CDH23):c.6713-8G>A

Gene: CDH23 (cadherin related 23; plus strand). Cytogenetic location: 10q22.1.
Variant type: single nucleotide variant.
Coding change: c.6713-8G>A on transcript NM_022124.6 (MANE Select); 8 bases into the intron before coding-DNA position 6713, G replaced by A.
Molecular consequence: intron variant.
Genome position (GRCh38, 1-based): chr10:71,797,096, G>A. VCF-style: chr10-71797096-G-A. GRCh37 (hg19) VCF-style: chr10-73556853-G-A.
Other names: c.-8-8G>A (NM_001171933.1, NM_001171934.1).
Identifiers: ClinVar variation 162933 (VCV000162933.28), dbSNP rs369946986, ClinGen allele CA175506.